The following is an entry in ClinVar:

ClinVar aggregate classification (germline): Likely benign. Review status: criteria provided, multiple submitters, no conflicts (2 of 4 stars). 3 submissions from 3 submitters: Likely benign (3). Last evaluated 2023-08-11.

Conditions:
Brugada syndrome. Also called: Sudden unexplained nocturnal death syndrome; Sudden Unexplained Death Syndrome; Sudden Unexplained Nocturnal Death Syndrome (SUNDS); Sudden unexpected nocturnal death syndrome. Identifiers: Orphanet 130, MedGen C1142166, MONDO:0015263.
Cardiovascular phenotype. Identifiers: MedGen CN230736.

Submissions (3):

Ambry Genetics
Classification: Likely benign for Cardiovascular phenotype. Last evaluated: 2023-08-11. Review status: criteria provided, single submitter. Criteria: Ambry Variant Classification Scheme 2023. Collection method: clinical testing. Allele origin: germline.

Labcorp Genetics (formerly Invitae), Labcorp
Classification: Likely benign for Brugada syndrome. Last evaluated: 2022-01-29. Review status: criteria provided, single submitter. Criteria: Invitae Variant Classification Sherloc (09022015). Collection method: clinical testing. Allele origin: germline.

GeneDx
Classification: Likely benign. Last evaluated: 2017-02-09. Review status: criteria provided, single submitter. Criteria: GeneDx Variant Classification (06012015). Collection method: clinical testing. Allele origin: germline. Affected: yes.
Comment: This variant is considered likely benign or benign based on one or more of the following criteria: it is a conservative change, it occurs at a poorly conserved position in the protein, it is predicted to be benign by multiple in silico algorithms, and/or has population frequency not consistent with disease.

NM_000722.4(CACNA2D1):c.2085T>C (p.Leu695=)

Gene: CACNA2D1 (calcium voltage-gated channel auxiliary subunit alpha2delta 1; minus strand). Cytogenetic location: 7q21.11.
Variant type: single nucleotide variant.
Coding change: c.2085T>C on transcript NM_000722.4 (MANE Select); coding-DNA position 2085, T replaced by C.
Protein change: p.Leu695=; no amino-acid change (leucine 695 retained).
Molecular consequence: synonymous variant.
Genome position (GRCh38, 1-based): chr7:81,971,833, A>G on the plus strand (T>C on the coding strand, the complement: CACNA2D1 is on the minus strand). VCF-style: chr7-81971833-A-G. GRCh37 (hg19) VCF-style: chr7-81601149-A-G.
Other names: c.2121T>C, p.Leu707= (NM_001366867.1); c.2085T>C (LRG_437t1).
Identifiers: ClinVar variation 507410 (VCV000507410.7), dbSNP rs1554333976, ClinGen allele CA456132547.
Genomic context (GRCh38, chr7:81,971,833, plus strand): 5'-TTACATATTTTTCTGCTTACTCCAGTAATTTTGGACAAGTTCATTTGTAAAGCCTGCATC[A>G]AGCAAGACTCTATTAATCAAATCCGCGTTACCTAACACAGAAAAAGATCATCAGTTACAC-3'
Protein context (NP_000713.2, residues 685-705): CNADLINRVL[Leu695=]DAGFTNELVQ